The following is an entry in ClinVar:

ClinVar aggregate classification (germline): Pathogenic/Likely pathogenic. Review status: criteria provided, multiple submitters, no conflicts (2 of 4 stars). 2 submissions from 2 submitters: Pathogenic (1); Likely pathogenic (1). Last evaluated 2024-04-08.

Conditions:
Jeune thoracic dystrophy. Also called: Jeune syndrome; Infantile thoracic dystrophy; Thoracic pelvic phalangeal dystrophy; Jeune's syndrome; Chondroectodermal dysplasia-like syndrome; Short-rib thoracic dysplasia. Identifiers: Orphanet 474, MedGen C0265275, MONDO:0018770.
Asphyxiating thoracic dystrophy 3. Also called: Saldino-Noonan Syndrome; SHORT-RIB THORACIC DYSPLASIA 3 WITH OR WITHOUT POLYDACTYLY; POLYDACTYLY WITH NEONATAL CHONDRODYSTROPHY, TYPE I; SHORT-RIB THORACIC DYSPLASIA 3/6 WITH POLYDACTYLY, DIGENIC; Short rib polydactyly syndrome 2B. Identifiers: Orphanet 474, Orphanet 93269, Orphanet 93270, Orphanet 93271, MedGen C0036069, MONDO:0013127, OMIM 613091.

Allele frequency attached by ClinVar (database versions not stated): TOPMed 0.00001.

Submissions (2):

Labcorp Genetics (formerly Invitae), Labcorp
Classification: Pathogenic for Jeune thoracic dystrophy. Last evaluated: 2024-04-08. Review status: criteria provided, single submitter. Criteria: Invitae Variant Classification Sherloc (09022015). Collection method: clinical testing. Allele origin: germline.
Comment: This sequence change creates a premature translational stop signal (p.Arg150*) in the DYNC2H1 gene. It is expected to result in an absent or disrupted protein product. Loss-of-function variants in DYNC2H1 are known to be pathogenic (PMID: 23339108, 32753734, 33755199). The frequency data for this variant in the population databases is considered unreliable, as metrics indicate poor data quality at this position in the gnomAD database. This variant has not been reported in the literature in individuals affected with DYNC2H1-related conditions. Algorithms developed to predict the effect of sequence changes on RNA splicing suggest that this variant may disrupt the consensus splice site. For these reasons, this variant has been classified as Pathogenic.

Juno Genomics, Hangzhou Juno Genomics, Inc
Classification: Likely pathogenic for Asphyxiating thoracic dystrophy 3. Review status: criteria provided, single submitter. Criteria: ACMG Guidelines, 2015. Collection method: clinical testing. Allele origin: germline.
Comment: Null variant in a gene where loss of function (LOF) is a known mechanism of disease.;Absent from controls (or at extremely low frequency if recessive) in Genome Aggregation Database.

Literature cited by the submitters: PubMed 23339108 (cited by Labcorp Genetics (formerly Invitae), Labcorp); PubMed 32753734 (cited by Labcorp Genetics (formerly Invitae), Labcorp); PubMed 33755199 (cited by Labcorp Genetics (formerly Invitae), Labcorp).

NM_001377.3(DYNC2H1):c.448C>T (p.Arg150Ter)

Gene: DYNC2H1 (dynein cytoplasmic 2 heavy chain 1; plus strand). Cytogenetic location: 11q22.3.
Variant type: single nucleotide variant.
Coding change: c.448C>T on transcript NM_001377.3 (MANE Select); coding-DNA position 448, C replaced by T.
Protein change: p.Arg150Ter; replaces arginine 150 with a stop codon.
Molecular consequence: nonsense.
Genome position (GRCh38, 1-based): chr11:103,114,184, C>T. VCF-style: chr11-103114184-C-T. GRCh37 (hg19) VCF-style: chr11-102984913-C-T.
Other names: c.448C>T, p.Arg150Ter (NM_001080463.2); short protein forms R150*.
Identifiers: ClinVar variation 3022890 (VCV003022890.5), dbSNP rs1187379488, ClinGen allele CA382243928.